The following continues an entry in ClinVar:

NM_001369.3(DNAH5):c.10815del (p.Pro3606fs)

Gene: DNAH5. ClinVar aggregate classification (germline): Pathogenic. Pathogenic (26).

Submissions 13 to 30 of 30:

Molecular Genetics, Royal Melbourne Hospital
Classification: Pathogenic for Primary ciliary dyskinesia. Last evaluated: 2024-02-05. Review status: criteria provided, single submitter. Criteria: ACMG Guidelines, 2015. Collection method: clinical testing. Allele origin: germline. Inheritance: Autosomal recessive inheritance. Affected: yes.
Comment: This sequence change in DNAH5 is a frameshift variant predicted to cause a premature stop codon, p.(Pro3606Hisfs*23), in biologically relevant exon 64/79 leading to nonsense-mediated decay in a gene in which loss of function is an established disease mechanism. The highest population minor allele frequency in the population database gnomAD v4.0 is 0.05% (638/1,179,900 alleles) in the European (non-Finnish) population. This variant is a North American founder mutation that has been detected in the homozygous and compound heterozygous state in multiple individuals with primary ciliary dyskinesia (PCD), confirmed in trans in at least one individual (PMID: 16627867, 29363216). It segregates with PCD in at least one family (PMID: 16627867). Based on the classification scheme RMH Modified ACMG/AMP Guidelines v1.6.1, this variant is classified as PATHOGENIC. Following criteria are met: PVS1, PM3_VeryStrong, PP1.

Institute Of Molecular Biology And Genetics, Federal Almazov National Medical Research Centre
Classification: Pathogenic for Primary ciliary dyskinesia. Last evaluated: 2023-12-11. Review status: criteria provided, single submitter. Criteria: ACMG Guidelines, 2015. Collection method: clinical testing. Allele origin: maternal. Affected: yes. Observed: 2 variant alleles.
Comment: ACMG: PVS1, PM2, PM3, PP5

Johns Hopkins Genomics, Johns Hopkins University
Classification: Pathogenic for Primary ciliary dyskinesia 3. Last evaluated: 2022-12-06. Review status: criteria provided, single submitter. Criteria: ACMG Guidelines, 2015. Collection method: clinical testing. Allele origin: germline.
Comment: c.10815delT in DNAH5 has been identified in multiple unrelated individuals as well as families with primary ciliary dyskinesia and is a known North American founder mutation. This frameshift variant (rs397515540) has been reported in ClinVar (Variation ID 65636) and is rare (<0.1%) in a large population dataset (gnomAD v2.1.1: 47/282304 total alleles; 0.0167%; 1 homozygote). This frameshift variant results in a premature stop codon in exon 64 of 79, likely leading to nonsense-mediated decay and lack of protein production. We consider c.10815delT; p.Pro3606fs in DNAH5 to be pathogenic.

Clinical Genetics Laboratory, Skane University Hospital Lund
Classification: Pathogenic. Last evaluated: 2022-05-27. Review status: criteria provided, single submitter. Criteria: ACMG Guidelines, 2015. Collection method: clinical testing. Allele origin: germline. Affected: yes.

GeneDx
Classification: Pathogenic. Last evaluated: 2022-02-20. Review status: criteria provided, single submitter. Criteria: GeneDx Variant Classification Process June 2021. Collection method: clinical testing. Allele origin: germline. Affected: yes.
Comment: Frameshift variant predicted to result in protein truncation or nonsense mediated decay in a gene for which loss-of-function is a known mechanism of disease; This variant is associated with the following publications: (PMID: 24498942, 16627867, 20301301, 28832562, 28991257, 23477994, 22416021, 29453417, 25186273, 31772028, 31879361, 31980526, 32111882, 31589614, 33726816)

Victorian Clinical Genetics Services, Murdoch Childrens Research Institute
Classification: Pathogenic for Primary ciliary dyskinesia 3. Last evaluated: 2022-02-02. Review status: criteria provided, single submitter. Criteria: ACMG Guidelines, 2015. Collection method: clinical testing. Allele origin: germline. Inheritance: Autosomal recessive inheritance. Affected: yes.
Comment: Based on the classification scheme VCGS_Germline_v1.3.4, this variant is classified as Pathogenic. Following criteria are met: 0102 - Loss of function is a known mechanism of disease in this gene and is associated with primary ciliary dyskinesia 3, with or without situs inversus (PCD; MIM#608644). (I) 0106 - This gene is associated with autosomal recessive disease. (I) 0201 - Variant is predicted to cause nonsense-mediated decay (NMD) and loss of protein (premature termination codon is located at least 54 nucleotides upstream of the final exon-exon junction). (SP) 0251 - This variant is heterozygous. (I) 0304 - Variant is present in gnomAD <0.01 for a recessive condition (v2: 45 heterozygotes, 1 homozygote). (SP) 0701 - Other NMD variants comparable to the one identified in this case have very strong previous evidence for pathogenicity (ClinVar, DECIPHER). (SP) 0801 - This variant has very strong previous evidence of pathogenicity in unrelated individuals. It has been reported in multiple families with primary ciliary dyskinesia (ClinVar, LOVD, PMIDs: 29363216, 16627867, 23477994). (I) Legend: (SP) - Supporting pathogenic, (I) - Information, (SB) - Supporting benign

CeGaT Center for Human Genetics Tuebingen
Classification: Pathogenic. Last evaluated: 2021-10-01. Review status: criteria provided, single submitter. Criteria: CeGaT Center For Human Genetics Tuebingen Variant Classification Criteria Version 2. Collection method: clinical testing. Allele origin: germline. Affected: yes. Observed: 1 variant allele.

Genetics and Molecular Pathology, SA Pathology
Classification: Pathogenic for Primary ciliary dyskinesia 3. Last evaluated: 2020-05-13. Review status: criteria provided, single submitter. Criteria: ACMG Guidelines, 2015. Collection method: clinical testing. Allele origin: germline. Inheritance: Autosomal recessive inheritance. Affected: yes.
Comment: PVS1, PM3, PP5

Centre for Genomic and Experimental Medicine, University of Edinburgh
Classification: Pathogenic for Primary ciliary dyskinesia. Last evaluated: 2020-04-01. Review status: criteria provided, single submitter. Criteria: ACMG Guidelines, 2015. Collection method: research. Allele origin: inherited, unknown. Affected: yes and no. Observed: 1 heterozygote, 1 compound heterozygote.

HudsonAlpha Institute for Biotechnology
Classification: Pathogenic for Primary ciliary dyskinesia 3. Last evaluated: 2020-03-26. Review status: criteria provided, single submitter. Criteria: ACMG Guidelines, 2015. Collection method: research. Allele origin: unknown. Affected: yes. Observed: 1 variant allele. Study: CSER-SouthSeq.
Comment: ACMG codes: PVS1, PM3, PP4, PP5

Revvity Omics, Revvity
Classification: Pathogenic for Primary ciliary dyskinesia 3. Last evaluated: 2020-02-19. Review status: criteria provided, single submitter. Criteria: ACMG Guidelines, 2015. Collection method: clinical testing. Allele origin: germline.

Cambridge Genomics Laboratory, East Genomic Laboratory Hub, NHS Genomic Medicine Service
Classification: Pathogenic for Primary ciliary dyskinesia. Last evaluated: 2019-11-27. Review status: criteria provided, single submitter. Criteria: ACGS Best Practice Guidelines for Variant Classification in Rare Disease 2020. Collection method: clinical testing. Allele origin: germline. Affected: yes. Observed: 1 variant allele.

Eurofins Ntd Llc (ga)
Classification: Pathogenic. Last evaluated: 2017-01-03. Review status: criteria provided, single submitter. Criteria: EGL Classification Definitions 2015. Collection method: clinical testing. Allele origin: germline. Observed: 2 variant alleles, 2 heterozygotes.

Illumina Laboratory Services, Illumina
Classification: Pathogenic for Primary ciliary dyskinesia 3. Last evaluated: 2016-10-17. Review status: criteria provided, single submitter. Criteria: ICSL Variant Classification Criteria 09 May 2019. Collection method: clinical testing. Allele origin: germline.
Comment: The DNAH5 c.10815delT (p.Pro3606HisfsTer23) variant results in a frameshift and is predicted to result in premature termination of the protein. The p.Pro3606HisfsTer23 variant has been reported in a total of 17 individuals with primary ciliary dyskinesia, including in two in a homozygous state and in 15 in a compound heterozygous state (Hornef et al. 2006; Djakow et al. 2012; Ferkol et al. 2013; Kim et al. 2014; Raidt et al. 2014). The p.Pro3606HisfsTer23 variant was found to segregate with disease where familial DNA was available, and haplotype analysis revealed this variant is a founder mutation (Hornef et al. 2006). The p.Pro3606HisfsTer23 variant was absent from 70 controls and is reported at a frequency of 0.00024 in the European (non-Finnish) population of the Exome Aggregation Consortium. Based on the evidence and potential impact of frameshift variants, the p.Pro3606HisfsTer23 variant is classified as pathogenic for primary ciliary dyskinesia. This variant was observed by ICSL as part of a predisposition screen in an ostensibly healthy population.

Yale Center for Mendelian Genomics, Yale University
Classification: Likely pathogenic for Primary ciliary dyskinesia. Last evaluated: 2018-08-01. Review status: no assertion criteria provided. Collection method: literature only. Allele origin: germline. Affected: yes. Observed: 4 compound heterozygotes, 1 homozygote. Study: Yale Center for Mendelian Genomics. Not counted in ClinVar's aggregate classification.

OMIM
Classification: Pathogenic for CILIARY DYSKINESIA, PRIMARY, 3. Last evaluated: 2006-07-15. Review status: no assertion criteria provided. Collection method: literature only. Allele origin: germline. Not counted in ClinVar's aggregate classification.

GeneReviews
No classification provided. Condition: Primary ciliary dyskinesia 3. Review status: no classification provided. Collection method: literature only. Allele origin: unknown. Not counted in ClinVar's aggregate classification.

Genomics England Pilot Project, Genomics England
Classification: Likely pathogenic for Primary ciliary dyskinesia 3. Review status: no assertion criteria provided. Criteria: ACGS Guidelines, 2016. Collection method: clinical testing. Allele origin: germline. Affected: yes. Not counted in ClinVar's aggregate classification.

Literature cited by the submitters: PubMed 16627867 (cited by 15 submitters); PubMed 11788826 (cited by Labcorp Genetics (formerly Invitae), Labcorp and Variantyx, Inc.); PubMed 22416021 (cited by 4 submitters); PubMed 23477994 (cited by 6 submitters); PubMed 24498942 (cited by 3 submitters); PubMed 29363216 (cited by 6 submitters); PubMed 26228299 (cited by 3 submitters); PubMed 31772028 (cited by Mayo Clinic Laboratories, Mayo Clinic); PubMed 31879361 (cited by Mayo Clinic Laboratories, Mayo Clinic); PubMed 35728977 (cited by Mayo Clinic Laboratories, Mayo Clinic); PubMed 37998386 (cited by Mayo Clinic Laboratories, Mayo Clinic); PubMed 30067075 (cited by Institute Of Molecular Biology And Genetics, Federal Almazov National Medical Research Centre and Yale Center for Mendelian Genomics, Yale University); PubMed 25186273 (cited by Illumina Laboratory Services, Illumina); PubMed 20301301 (cited by GeneReviews); NCBI Bookshelf NBK1122 (cited by GeneReviews).